The following is an entry in ClinVar:

ClinVar aggregate classification (germline): Uncertain significance (1 of 4 stars; one submission).

Conditions:
Catecholaminergic polymorphic ventricular tachycardia 1. Also called: RYR2-Related Catecholaminergic Polymorphic Ventricular Tachycardia; VENTRICULAR TACHYCARDIA, CATECHOLAMINERGIC POLYMORPHIC, 1, WITH OR WITHOUT ATRIAL DYSFUNCTION AND/OR DILATED CARDIOMYOPATHY; VENTRICULAR TACHYCARDIA, STRESS-INDUCED POLYMORPHIC 1. Identifiers: Orphanet 3286, MedGen C1631597, MONDO:0011484, OMIM 604772.

gnomAD v4.1: 1 of 1,613,714 alleles (0.000062%); highest among the groups gnomAD compares: Non-Finnish European, 0.000085%; no homozygotes.

Submission:

Labcorp Genetics (formerly Invitae), Labcorp
Classification: Uncertain significance for Catecholaminergic polymorphic ventricular tachycardia 1. Last evaluated: 2024-01-15. Review status: criteria provided, single submitter. Criteria: Invitae Variant Classification Sherloc (09022015). Collection method: clinical testing. Allele origin: germline.
Comment: This sequence change replaces asparagine, which is neutral and polar, with serine, which is neutral and polar, at codon 1502 of the RYR2 protein (p.Asn1502Ser). This variant is not present in population databases (gnomAD no frequency). This variant has not been reported in the literature in individuals affected with RYR2-related conditions. ClinVar contains an entry for this variant (Variation ID: 573685). Advanced modeling of protein sequence and biophysical properties (such as structural, functional, and spatial information, amino acid conservation, physicochemical variation, residue mobility, and thermodynamic stability) performed at Invitae indicates that this missense variant is not expected to disrupt RYR2 protein function with a negative predictive value of 95%. In summary, the available evidence is currently insufficient to determine the role of this variant in disease. Therefore, it has been classified as a Variant of Uncertain Significance.

NM_001035.3(RYR2):c.4505A>G (p.Asn1502Ser)

Gene: RYR2 (ryanodine receptor 2; plus strand). Cytogenetic location: 1q43.
Variant type: single nucleotide variant.
Coding change: c.4505A>G on transcript NM_001035.3 (MANE Select); coding-DNA position 4505, A replaced by G.
Protein change: p.Asn1502Ser; replaces asparagine 1502 with serine.
Molecular consequence: missense variant.
Genome position (GRCh38, 1-based): chr1:237,595,566, A>G. VCF-style: chr1-237595566-A-G. GRCh37 (hg19) VCF-style: chr1-237758866-A-G.
Other names: c.4505A>G, p.Asn1502Ser (LRG_402t1); short protein forms N1502S.
Identifiers: ClinVar variation 573685 (VCV000573685.10), dbSNP rs769604342, ClinGen allele CA073003.
Genomic context (GRCh38, chr1:237,595,566, plus strand): 5'-GCAGCAACTGCTATATGGTATGTGCGGGTGAGAGCATGAGCCCCGGGCAAGGACGCAACA[A>G]TAATGGACTGGAGATTGGCTGTGTGGTGGATGCTGCCAGCGGGCTGCTCACATTCATTGC-3'
Protein context (NP_001026.2, residues 1492-1512): ESMSPGQGRN[Asn1502Ser]NGLEIGCVVD